The following is an entry in ClinVar:

NM_000257.4(MYH7):c.350A>T (p.Tyr117Phe)

Gene: MYH7 (myosin heavy chain 7; minus strand). Cytogenetic location: 14q11.2.
Variant type: single nucleotide variant.
Coding change: c.350A>T on transcript NM_000257.4 (MANE Select); coding-DNA position 350, A replaced by T.
Protein change: p.Tyr117Phe; replaces tyrosine 117 with phenylalanine.
Molecular consequence: missense variant.
Genome position (GRCh38, 1-based): chr14:23,432,791, T>A on the plus strand (A>T on the coding strand, the complement: MYH7 is on the minus strand). VCF-style: chr14-23432791-T-A. GRCh37 (hg19) VCF-style: chr14-23902000-T-A.
Other names: short protein forms Y117F.
Identifiers: ClinVar variation 179242 (VCV000179242.27), dbSNP rs201012865, ClinGen allele CA013791.

ClinVar aggregate classification (germline): Conflicting classifications of pathogenicity. Review status: criteria provided, conflicting classifications (1 of 4 stars). 11 submissions from 9 submitters: Uncertain significance (6); Benign (1); Likely benign (4). Last evaluated 2025-12-20.

Conditions:
Myosin storage myopathy (CMYO7A). Also called: MYH7-related late-onset scapuloperoneal muscular dystrophy; Congenital myopathy 7A, myosin storage, autosomal dominant; MYOPATHY, HYALINE BODY, AUTOSOMAL DOMINANT; SCAPULOPERONEAL MUSCULAR DYSTROPHY; SCAPULOPERONEAL SYNDROME, MYOPATHIC TYPE; MYOPATHY WITH LYSIS OF TYPE I MYOFIBRILS. Identifiers: Orphanet 437572, Orphanet 636965, MedGen C1842160, MONDO:0008409, OMIM 608358.
Cardiovascular phenotype. Identifiers: MedGen CN230736.
Cardiomyopathy (CMYO). Also called: Cardiomyopathies. Identifiers: Orphanet 167848, MedGen C0878544, MONDO:0004994, HP:0001638. Inheritance: Various modes of inheritance.
MYH7-related skeletal myopathy. Also called: Laing early-onset distal myopathy; MYOPATHY, DISTAL, EARLY-ONSET, AUTOSOMAL DOMINANT; MYOPATHY, LATE DISTAL HEREDITARY; Myopathy, distal, 1; Laing distal myopathy. Identifiers: Orphanet 59135, MedGen C4552004, MONDO:0008050, OMIM 160500.
Hypertrophic cardiomyopathy 1 (CMH1). Also called: Familial hypertrophic cardiomyopathy 1; MYH7-Related Familial Hypertrophic Cardiomyopathy. Identifiers: MedGen C3495498, MONDO:0008647, OMIM 192600.
Hypertrophic cardiomyopathy. Also called: HYPERTROPHIC MYOCARDIOPATHY. Identifiers: Orphanet 217569, MedGen C0007194, MeSH D002312, MONDO:0005045, HP:0001639.

Allele frequency attached by ClinVar (database versions not stated): gnomAD 0.00002; TOPMed 0.00003; ExAC 0.00004; gnomAD exomes 0.00005.
gnomAD v4.1: 34 of 1,613,528 alleles (0.0021%); highest among the groups gnomAD compares: Non-Finnish European, 0.00025%; no homozygotes.

Submissions (11):

Labcorp Genetics (formerly Invitae), Labcorp
Classification: Likely benign for Hypertrophic cardiomyopathy. Last evaluated: 2025-12-20. Review status: criteria provided, single submitter. Criteria: Invitae Variant Classification Sherloc (09022015). Collection method: clinical testing. Allele origin: germline.

Women's Health and Genetics/Laboratory Corporation of America, LabCorp
Classification: Likely benign. Last evaluated: 2024-03-04. Review status: criteria provided, single submitter. Criteria: LabCorp Variant Classification Summary - May 2015. Collection method: clinical testing. Allele origin: germline.
Comment: Variant summary: MYH7 c.350A>T (p.Tyr117Phe) results in a conservative amino acid change located in the Myosin head, motor domain (IPR001609) of the encoded protein sequence. Three of five in-silico tools predict a damaging effect of the variant on protein function. The variant allele was found at a frequency of 5.2e-05 in 251246 control chromosomes, predominantly at a frequency of 0.0012 within the Ashkenazi Jewish subpopulation in the gnomAD database. This frequency is close to the estimated maximum expected for a pathogenic variant in MYH7 Cardiomyopathy (0.0013). The variant, c.350A>T has been reported in the literature in individuals affected with Hypertrophic Cardiomyopathy (HCM), however no supportive evidence for causality was provided (e.g. Homburger_2016, Kurzlechner_2022, McGurk_2023), in addition, the variant was also reported in several individuals without HCM diagnosis (Park_2022). To our knowledge, no experimental evidence demonstrating an impact on protein function has been reported. ClinVar contains an entry for this variant (Variation ID: 179242). Based on the evidence outlined above, the variant was classified as likely benign.

GeneDx
Classification: Uncertain significance. Last evaluated: 2021-09-09. Review status: criteria provided, single submitter. Criteria: GeneDx Variant Classification Process June 2021. Collection method: clinical testing. Allele origin: germline. Affected: yes.
Comment: Reported in association with cardiomyopathy (Homberger et al., 2016); however, specific clinical information was not provided; In silico analysis supports that this missense variant has a deleterious effect on protein structure/function; Reported in ClinVar (ClinVar Variant ID# 179242; Landrum et al., 2016); This variant is associated with the following publications: (PMID: 27532257, 29300372, 27247418, 26582918, 23861362)

Ambry Genetics
Classification: Likely benign for Cardiovascular phenotype. Last evaluated: 2020-04-07. Review status: criteria provided, single submitter. Criteria: Ambry Variant Classification Scheme 2023. Collection method: clinical testing. Allele origin: germline.

Blueprint Genetics
Classification: Uncertain significance. Last evaluated: 2020-01-20. Review status: criteria provided, single submitter. Criteria: ACMG Guidelines, 2015. Collection method: clinical testing. Allele origin: germline.

Color Diagnostics, LLC DBA Color Health
Classification: Likely benign for Cardiomyopathy. Last evaluated: 2019-02-04. Review status: criteria provided, single submitter. Criteria: ACMG Guidelines, 2015. Collection method: clinical testing. Allele origin: germline.

Illumina Laboratory Services, Illumina
Classification: Benign for MYH7-related skeletal myopathy. Last evaluated: 2017-04-27. Review status: criteria provided, single submitter. Criteria: ICSL Variant Classification Criteria 13 December 2019. Collection method: clinical testing. Allele origin: germline.
Comment: This variant was observed as part of a predisposition screen in an ostensibly healthy population. A literature search was performed for the gene, cDNA change, and amino acid change (where applicable). No publications were found based on this search. Allele frequency data from public databases was too high to be consistent with this variant causing disease. Therefore, this variant is classified as benign.

Illumina Laboratory Services, Illumina
Classification: Uncertain significance for Hypertrophic cardiomyopathy 1. Last evaluated: 2017-04-27. Review status: criteria provided, single submitter. Criteria: ICSL Variant Classification Criteria 13 December 2019. Collection method: clinical testing. Allele origin: germline.
Comment: This variant was observed as part of a predisposition screen in an ostensibly healthy population. A literature search was performed for the gene, cDNA change, and amino acid change (where applicable). Publications were found based on this search. However, the evidence from the literature, in combination with allele frequency data from public databases where available, was not sufficient to rule this variant in or out of causing disease. Therefore, this variant is classified as a variant of unknown significance.

Illumina Laboratory Services, Illumina
Classification: Uncertain significance for Myosin storage myopathy. Last evaluated: 2017-04-27. Review status: criteria provided, single submitter. Criteria: ICSL Variant Classification Criteria 13 December 2019. Collection method: clinical testing. Allele origin: germline.

Laboratory for Molecular Medicine, Mass General Brigham Personalized Medicine
Classification: Uncertain significance. Last evaluated: 2014-07-03. Review status: criteria provided, single submitter. Criteria: LMM Criteria. Collection method: clinical testing. Allele origin: germline. Observed: 2 variant alleles.
Comment: In addition, this variant has been identif ied in 1/1740 of European chromosomes by the ClinSeq Project (Ng 2013, dbSNP 201 012865). Tyrosine (Tyr) at position 117 is highly conserved in evolution and the change to phenylalanine (Phe) was predicted to be pathogenic using a computatio nal tool clinically validated by our laboratory. This tool's pathogenic predicti on is estimated to be correct 94% of the time (Jordan 2011). In summary, the cli nical significance of the Tyr117Phe variant is uncertain.

Biesecker Lab/Clinical Genomics Section, National Institutes of Health
Classification: Uncertain significance. Last evaluated: 2013-06-24. Review status: criteria provided, single submitter. Criteria: Ng et al. (Circ Cardiovasc Genet. 2013). Collection method: research. Allele origin: unknown. Observed: 1 variant allele. Study: ClinSeq.
Comment: The study set was not selected for affection status in relation to any cancer. Pathogenicity categories were based on literature curation. See Pubmed ID:23861362 for details.

Medical sequencing

Literature cited by the submitters: PubMed 27247418 (cited by 3 submitters); PubMed 30297972 (cited by Women's Health and Genetics/Laboratory Corporation of America, LabCorp); PubMed 34542152 (cited by Women's Health and Genetics/Laboratory Corporation of America, LabCorp); PubMed 35629155 (cited by Women's Health and Genetics/Laboratory Corporation of America, LabCorp); PubMed 37652022 (cited by Women's Health and Genetics/Laboratory Corporation of America, LabCorp); PubMed 23861362 (cited by Laboratory for Molecular Medicine, Mass General Brigham Personalized Medicine).